The following is an entry in ClinVar:

NM_007294.4(BRCA1):c.2130del (p.Lys711fs)

Gene: BRCA1 (BRCA1 DNA repair associated; minus strand). Cytogenetic location: 17q21.31.
Variant type: Deletion.
Coding change: c.2130del on transcript NM_007294.4 (MANE Select); coding-DNA position 2130, one base deleted (T; older notation c.2130delT).
Protein change: p.Lys711fs; shifts the reading frame from lysine 711.
Molecular consequence: frameshift variant. On other transcripts: intron variant (137).
Genome position (GRCh38, 1-based): chr17:43,093,401, A deleted on the plus strand (T on the coding strand, the reverse complement: BRCA1 is on the minus strand). VCF-style (leftmost placement, unchanged base first): chr17-43093400-TA-T. GRCh37 (hg19) VCF-style: chr17-41245417-TA-T.
Other names: c.2127del, p.Lys710fs (NM_001407613.1, NM_001407614.1, NM_001407615.1 and 22 more transcripts); c.2130del, p.Lys711fs (NM_001407616.1, NM_001407617.1, NM_001407618.1 and 30 more transcripts); c.2121del, p.Lys708fs (NM_001407646.1, NM_001407647.1); c.2007del, p.Lys670fs (NM_001407648.1, NM_001407664.1, NM_001407665.1 and 19 more transcripts); c.2004del, p.Lys669fs (NM_001407649.1, NM_001407670.1, NM_001407671.1 and 11 more transcripts); c.2052del, p.Lys685fs (NM_001407653.1, NM_001407654.1, NM_001407655.1 and 4 more transcripts); c.2049del, p.Lys684fs (NM_001407659.1, NM_001407660.1, NM_001407661.1 and 1 more transcripts); c.1989del, p.Lys664fs (NM_001407692.1, NM_001407694.1, NM_001407695.1 and 29 more transcripts); and 41 more; short protein forms K415fs, K543fs, K583fs, K584fs, K599fs, K600fs, K622fs, K623fs.
Identifiers: ClinVar variation 4851359 (VCV004851359.1).

ClinVar aggregate classification (germline): Pathogenic (1 of 4 stars; one submission).

Conditions:
Inherited breast cancer and ovarian cancer.

Submission:

Genetics Laboratory, Great Ormond Street Hospital NHS Foundation Trust, North Thames Genomic Laboratory Hub
Classification: Pathogenic for Inherited breast cancer and ovarian cancer. Last evaluated: 2026-03-24. Review status: criteria provided, single submitter. Criteria: CanVIG BRCA Gene Specific V1.22. Collection method: clinical testing. Allele origin: germline. Affected: yes.
Comment: PM2_moderate, PVS1_very-strong, PM5_strong